The following is an entry in ClinVar:

NM_001127671.2(LIFR):c.2578C>T (p.Arg860Trp)

Gene: LIFR (LIF receptor subunit alpha; minus strand). Cytogenetic location: 5p13.1.
Variant type: single nucleotide variant.
Coding change: c.2578C>T on transcript NM_001127671.2 (MANE Select); coding-DNA position 2578, C replaced by T.
Protein change: p.Arg860Trp; replaces arginine 860 with tryptophan.
Molecular consequence: missense variant.
Genome position (GRCh38, 1-based): chr5:38,484,788, G>A on the plus strand (C>T on the coding strand, the complement: LIFR is on the minus strand). VCF-style: chr5-38484788-G-A. GRCh37 (hg19) VCF-style: chr5-38484890-G-A.
Other names: c.2578C>T, p.Arg860Trp (NM_001364297.2, NM_002310.6); c.2545C>T, p.Arg849Trp (NM_001364298.2); short protein forms R860W, R849W.
Identifiers: ClinVar variation 353613 (VCV000353613.28), dbSNP rs146205670, ClinGen allele CA3242625.

ClinVar aggregate classification (germline): Benign. Review status: criteria provided, multiple submitters, no conflicts (2 of 4 stars). 6 submissions from 6 submitters: Benign (5). 1 of the submissions does not count toward it. Last evaluated 2026-01-28.

Conditions:
LIFR-related disorder. Also called: LIFR-related condition.
Stuve-Wiedemann syndrome (STWS). Also called: Stüve-Wiedemann syndrome. Identifiers: Orphanet 3206, MedGen C0796176, MONDO:0031280.
Connective tissue disorder. Also called: Connective tissue disease. Identifiers: MedGen C0009782, MONDO:0003900.

Allele frequency attached by ClinVar (database versions not stated): ESP Exome Variant Server 0.00054; gnomAD 0.00066 and 0.00104; TOPMed 0.00072; gnomAD exomes 0.00205 and 0.00344; 1000 Genomes Project 30x 0.00312; 1000 Genomes Project 0.00319; ExAC 0.00414.
gnomAD v4.1: 3,154 of 1,610,676 alleles (0.2%); highest among the groups gnomAD compares: South Asian, 2.5%; 57 homozygotes.

Submissions (6):

Labcorp Genetics (formerly Invitae), Labcorp
Classification: Benign. Last evaluated: 2026-01-28. Review status: criteria provided, single submitter. Criteria: Invitae Variant Classification Sherloc (09022015). Collection method: clinical testing. Allele origin: germline.

Genome Diagnostics Laboratory, The Hospital for Sick Children
Classification: Benign for Connective tissue disorder. Last evaluated: 2021-05-12. Review status: criteria provided, single submitter. Criteria: ACMG Guidelines, 2015. Collection method: clinical testing. Allele origin: germline.

ARUP Laboratories, Molecular Genetics and Genomics, ARUP Laboratories
Classification: Benign for Stüve-Wiedemann syndrome 1. Last evaluated: 2020-07-28. Review status: criteria provided, single submitter. Criteria: ARUP Molecular Germline Variant Investigation Process. Collection method: clinical testing. Allele origin: germline.

GeneDx
Classification: Benign. Last evaluated: 2020-03-27. Review status: criteria provided, single submitter. Criteria: GeneDx Variant Classification Process June 2021. Collection method: clinical testing. Allele origin: germline. Affected: yes.

Illumina Laboratory Services, Illumina
Classification: Benign for Stüve-Wiedemann syndrome 1. Last evaluated: 2018-01-13. Review status: criteria provided, single submitter. Criteria: ICSL Variant Classification Criteria 13 December 2019. Collection method: clinical testing. Allele origin: germline.
Comment: This variant was observed in the ICSL laboratory as part of a predisposition screen in an ostensibly healthy population. It had not been previously curated by ICSL or reported in the Human Gene Mutation Database (HGMD: prior to June 1st, 2018), and was therefore a candidate for classification through an automated scoring system. Utilizing variant allele frequency, disease prevalence and penetrance estimates, and inheritance mode, an automated score was calculated to assess if this variant is too frequent to cause the disease. Based on the score and internal cut-off values, a variant classified as benign is not then subjected to further curation. The score for this variant resulted in a classification of benign for this disease.

PreventionGenetics, part of Exact Sciences
Classification: Benign for LIFR-related condition. Last evaluated: 2019-06-12. Review status: no assertion criteria provided. Collection method: clinical testing. Allele origin: germline. Not counted in ClinVar's aggregate classification.
Comment: This variant is classified as benign based on ACMG/AMP sequence variant interpretation guidelines (Richards et al. 2015 PMID: 25741868, with internal and published modifications).